The following is an entry in ClinVar:

ClinVar aggregate classification (germline): Benign/Likely benign. Review status: criteria provided, multiple submitters, no conflicts (2 of 4 stars). 12 submissions from 12 submitters: Benign (3); Likely benign (6). 3 of the submissions do not count toward it. Last evaluated 2026-07-01.

Conditions:
ZNF469-related disorder. Also called: ZNF469-related condition.
Cardiovascular phenotype. Identifiers: MedGen CN230736.
Ehlers-Danlos syndrome (EDS). Identifiers: Orphanet 98249, MedGen C0013720, MONDO:0020066.
Brittle cornea syndrome 1 (BCS1). Also called: DYSGENESIS MESODERMALIS CORNEAE ET SCLERAE; Corneal fragility keratoglobus, blue sclerae AND joint hypermobility; CORNEAL FRAGILITY, KERATOGLOBUS, BLUE SCLERAE, JOINT HYPEREXTENSIBILITY; EDS6B; FRAGILITAS OCULI WITH JOINT HYPEREXTENSIBILITY. Identifiers: Orphanet 90354, MedGen C0268344, MONDO:0024543, OMIM 229200.

Allele frequency attached by ClinVar (database versions not stated): gnomAD exomes 0.00100; gnomAD 0.00106; 1000 Genomes Project 0.00100; TOPMed 0.00106; ExAC 0.00121; 1000 Genomes Project 30x 0.00141.
gnomAD v4.1: 2,527 of 1,550,352 alleles (0.16%); highest among the groups gnomAD compares: Non-Finnish European, 0.2%; 2 homozygotes.

Submissions (12):

CeGaT Center for Human Genetics Tuebingen
Classification: Likely benign. Last evaluated: 2026-07-01. Review status: criteria provided, single submitter. Criteria: CeGaT Center For Human Genetics Tuebingen Variant Classification Criteria Version 2. Collection method: clinical testing. Allele origin: germline. Affected: yes. Observed: 7 variant alleles.
Comment: ZNF469: BP4, BP7

Women's Health and Genetics/Laboratory Corporation of America, LabCorp
Classification: Likely benign. Last evaluated: 2026-06-15. Review status: criteria provided, single submitter. Criteria: LabCorp Variant Classification Summary - May 2015. Collection method: clinical testing. Allele origin: germline.

Labcorp Genetics (formerly Invitae), Labcorp
Classification: Benign. Last evaluated: 2026-01-28. Review status: criteria provided, single submitter. Criteria: Invitae Variant Classification Sherloc (09022015). Collection method: clinical testing. Allele origin: germline.

Mayo Clinic Laboratories, Mayo Clinic
Classification: Likely benign. Last evaluated: 2025-02-27. Review status: criteria provided, single submitter. Criteria: ACMG Guidelines, 2015. Collection method: clinical testing. Allele origin: germline. Observed: 6 variant alleles.
Comment: BS1, BP4, BP7

Blueprint Genetics
Classification: Likely benign. Last evaluated: 2024-11-20. Review status: criteria provided, single submitter. Criteria: ACMG Guidelines, 2015. Collection method: clinical testing. Allele origin: germline.

Genome-Nilou Lab
Classification: Benign for Brittle cornea syndrome 1. Last evaluated: 2021-12-05. Review status: criteria provided, single submitter. Criteria: ACMG Guidelines, 2015. Collection method: clinical testing. Allele origin: germline. Affected: no.

Genome Diagnostics Laboratory, The Hospital for Sick Children
Classification: Likely benign for Ehlers-Danlos syndrome. Last evaluated: 2021-11-10. Review status: criteria provided, single submitter. Criteria: ACMG Guidelines, 2015. Collection method: clinical testing. Allele origin: germline.

GeneDx
Classification: Likely benign. Last evaluated: 2021-06-08. Review status: criteria provided, single submitter. Criteria: GeneDx Variant Classification Process June 2021. Collection method: clinical testing. Allele origin: germline. Affected: yes.

Ambry Genetics
Classification: Benign for Cardiovascular phenotype. Last evaluated: 2019-03-21. Review status: criteria provided, single submitter. Criteria: Ambry Variant Classification Scheme 2023. Collection method: clinical testing. Allele origin: germline.

PreventionGenetics, part of Exact Sciences
Classification: Likely benign for ZNF469-related condition. Last evaluated: 2019-11-19. Review status: no assertion criteria provided. Collection method: clinical testing. Allele origin: germline. Not counted in ClinVar's aggregate classification.
Comment: This variant is classified as likely benign based on ACMG/AMP sequence variant interpretation guidelines (Richards et al. 2015 PMID: 25741868, with internal and published modifications).

Clinical Genetics DNA and cytogenetics Diagnostics Lab, Erasmus MC, Erasmus Medical Center
Classification: Likely benign. Review status: no assertion criteria provided. Collection method: clinical testing. Allele origin: germline. Affected: yes. Study: VKGL Data-share Consensus. Not counted in ClinVar's aggregate classification.

Genome Diagnostics Laboratory, Amsterdam University Medical Center
Classification: Likely benign. Review status: no assertion criteria provided. Collection method: clinical testing. Allele origin: germline. Affected: yes. Study: VKGL Data-share Consensus. Not counted in ClinVar's aggregate classification.

NM_001367624.2(ZNF469):c.10656G>A (p.Pro3552=)

Gene: ZNF469 (zinc finger protein 469; plus strand). Cytogenetic location: 16q24.2.
Variant type: single nucleotide variant.
Coding change: c.10656G>A on transcript NM_001367624.2 (MANE Select); coding-DNA position 10656, G replaced by A.
Protein change: p.Pro3552=; no amino-acid change (proline 3552 retained).
Molecular consequence: synonymous variant.
Genome position (GRCh38, 1-based): chr16:88,438,126, G>A. VCF-style: chr16-88438126-G-A. GRCh37 (hg19) VCF-style: chr16-88504534-G-A.
Other names: NM_001127464.1:c.10572G>A; NM_001127464.2:c.10572G>A; p.Pro3552=.
Identifiers: ClinVar variation 389957 (VCV000389957.59), dbSNP rs191234581, ClinGen allele CA8225536.